The following is an entry in ClinVar:

ClinVar aggregate classification (germline): Uncertain significance (1 of 4 stars; one submission).

Conditions:
Tuberous sclerosis 2 (TSC2). Identifiers: Orphanet 805, MedGen C1860707, MONDO:0013199, OMIM 613254.

Submission:

Labcorp Genetics (formerly Invitae), Labcorp
Classification: Uncertain significance for Tuberous sclerosis 2. Last evaluated: 2023-04-15. Review status: criteria provided, single submitter. Criteria: Invitae Variant Classification Sherloc (09022015). Collection method: clinical testing. Allele origin: germline.
Comment: In summary, the available evidence is currently insufficient to determine the role of this variant in disease. Therefore, it has been classified as a Variant of Uncertain Significance. Advanced modeling of protein sequence and biophysical properties (such as structural, functional, and spatial information, amino acid conservation, physicochemical variation, residue mobility, and thermodynamic stability) performed at Invitae indicates that this missense variant is not expected to disrupt TSC2 protein function. This variant has not been reported in the literature in individuals affected with TSC2-related conditions. This variant is not present in population databases (gnomAD no frequency). This sequence change replaces leucine, which is neutral and non-polar, with phenylalanine, which is neutral and non-polar, at codon 1445 of the TSC2 protein (p.Leu1445Phe).

NM_000548.5(TSC2):c.4335G>C (p.Leu1445Phe)

Gene: TSC2 (TSC complex subunit 2; plus strand). Cytogenetic location: 16p13.3.
Variant type: single nucleotide variant.
Coding change: c.4335G>C on transcript NM_000548.5 (MANE Select); coding-DNA position 4335, G replaced by C.
Protein change: p.Leu1445Phe; replaces leucine 1445 with phenylalanine.
Molecular consequence: missense variant. On other transcripts: non-coding transcript variant (5).
Genome position (GRCh38, 1-based): chr16:2,084,557, G>C. VCF-style: chr16-2084557-G-C. GRCh37 (hg19) VCF-style: chr16-2134558-G-C.
Other names: c.3987G>C, p.Leu1329Phe (NM_001406679.1); c.3735G>C, p.Leu1245Phe (NM_001406680.1); c.3675G>C, p.Leu1225Phe (NM_001406681.1); c.3666G>C, p.Leu1222Phe (NM_001406682.1, NM_001406683.1); c.3663G>C, p.Leu1221Phe (NM_001406684.1); c.3537G>C, p.Leu1179Phe (NM_001406685.1, NM_001406686.1); c.3534G>C, p.Leu1178Phe (NM_001406687.1, NM_001406688.1); c.2532G>C, p.Leu844Phe (NM_001406698.1); and 26 more; short protein forms L1179F, L1222F, L1329F, L1359F, L1372F, L1379F, L1409F, L1444F.
Identifiers: ClinVar variation 2856494 (VCV002856494.3), dbSNP rs587778739, ClinGen allele CA394301457.